The following is an entry in ClinVar:

NM_001349338.3(FOXP1):c.1709A>G (p.Asn570Ser)

Gene: FOXP1 (forkhead box P1; minus strand). Cytogenetic location: 3p13.
Variant type: single nucleotide variant.
Coding change: c.1709A>G on transcript NM_001349338.3 (MANE Select); coding-DNA position 1709, A replaced by G.
Protein change: p.Asn570Ser; replaces asparagine 570 with serine.
Molecular consequence: missense variant. On other transcripts: non-coding transcript variant (2).
Genome position (GRCh38, 1-based): chr3:70,970,749, T>C on the plus strand (A>G on the coding strand, the complement: FOXP1 is on the minus strand). VCF-style: chr3-70970749-T-C. GRCh37 (hg19) VCF-style: chr3-71019900-T-C.
Other names: c.1706A>G, p.Asn569Ser (NM_001244808.3, NM_001349341.3); c.1757A>G, p.Asn586Ser (NM_001244810.2); c.1481A>G, p.Asn494Ser (NM_001244812.3); c.1409A>G, p.Asn470Ser (NM_001244813.3, NM_001244815.2, NM_001349342.3); c.1709A>G, p.Asn570Ser (NM_001244814.3, NM_001244816.2, NM_001349340.3 and 1 more transcripts); c.1406A>G, p.Asn469Ser (NM_001349337.2, NM_001349343.3, NM_001349344.3 and 1 more transcripts); short protein forms N570S, N586S, N569S, N469S, N494S, N470S.
Identifiers: ClinVar variation 211041 (VCV000211041.54), dbSNP rs140161845, ClinGen allele CA209566.

ClinVar aggregate classification (germline): Benign/Likely benign. Review status: criteria provided, multiple submitters, no conflicts (2 of 4 stars). 10 submissions from 10 submitters: Benign (4); Likely benign (5). 1 of the submissions does not count toward it. Last evaluated 2026-05-01.

Conditions:
Inborn genetic diseases. Identifiers: MedGen C0950123, MeSH D030342.
FOXP1-related disorder. Also called: FOXP1-related condition.

Allele frequency attached by ClinVar (database versions not stated): gnomAD 0.00137 and 0.00140; gnomAD exomes 0.00147 and 0.00244; TOPMed 0.00147; ExAC 0.00154; ESP Exome Variant Server 0.00177.
gnomAD v4.1: 3,713 of 1,613,470 alleles (0.23%); highest among the groups gnomAD compares: Non-Finnish European, 0.29%; 7 homozygotes.

Submissions (10):

CeGaT Center for Human Genetics Tuebingen
Classification: Likely benign. Last evaluated: 2026-05-01. Review status: criteria provided, single submitter. Criteria: CeGaT Center For Human Genetics Tuebingen Variant Classification Criteria Version 2. Collection method: clinical testing. Allele origin: germline. Affected: yes. Observed: 11 variant alleles.
Comment: FOXP1: BS1

Labcorp Genetics (formerly Invitae), Labcorp
Classification: Benign. Last evaluated: 2026-02-02. Review status: criteria provided, single submitter. Criteria: Invitae Variant Classification Sherloc (09022015). Collection method: clinical testing. Allele origin: germline.

Blueprint Genetics
Classification: Likely benign. Last evaluated: 2024-10-22. Review status: criteria provided, single submitter. Criteria: ACMG Guidelines, 2015. Collection method: clinical testing. Allele origin: germline.

Mayo Clinic Laboratories, Mayo Clinic
Classification: Benign. Last evaluated: 2024-01-17. Review status: criteria provided, single submitter. Criteria: ACMG Guidelines, 2015. Collection method: clinical testing. Allele origin: germline. Observed: 2 variant alleles.
Comment: BS1, BS2

GeneDx
Classification: Benign. Last evaluated: 2019-08-06. Review status: criteria provided, single submitter. Criteria: GeneDx Variant Classification Process June 2021. Collection method: clinical testing. Allele origin: germline. Affected: yes.
Comment: This variant is associated with the following publications: (PMID: 20848658, 26647308, 20950788)

Ambry Genetics
Classification: Likely benign for Inborn genetic diseases. Last evaluated: 2017-08-10. Review status: criteria provided, single submitter. Criteria: Ambry Variant Classification Scheme 2023. Collection method: clinical testing. Allele origin: germline.

Institute for Genomic Medicine (IGM) Clinical Laboratory, Nationwide Children's Hospital
Classification: Likely benign. Last evaluated: 2017-06-02. Review status: criteria provided, single submitter. Criteria: ACMG Guidelines, 2015. Collection method: clinical testing. Allele origin: germline.
Comment: BS1, BP6; This alteration has an allele frequency that is greater than expected for the associated disease, and was reported as a benign/likely benign alteration by a reputable source (ClinVar or other correspondence from a clinical testing laboratory).

Eurofins Ntd Llc (ga)
Classification: Likely benign. Last evaluated: 2016-09-05. Review status: criteria provided, single submitter. Criteria: EGL Classification Definitions 2015. Collection method: clinical testing. Allele origin: germline. Observed: 1 variant allele, 1 heterozygote.

Genetic Services Laboratory, University of Chicago
Classification: Benign. Last evaluated: 2016-06-24. Review status: criteria provided, single submitter. Criteria: ACMG Guidelines, 2015. Collection method: clinical testing. Allele origin: germline. Affected: no.

PreventionGenetics, part of Exact Sciences
Classification: Likely benign for FOXP1-related condition. Last evaluated: 2020-10-21. Review status: no assertion criteria provided. Collection method: clinical testing. Allele origin: germline. Not counted in ClinVar's aggregate classification.
Comment: This variant is classified as likely benign based on ACMG/AMP sequence variant interpretation guidelines (Richards et al. 2015 PMID: 25741868, with internal and published modifications).

Literature cited by the submitters: PubMed 20848658 (cited by Ambry Genetics); PubMed 20950788 (cited by Ambry Genetics).